The following is an entry in ClinVar:

NM_000158.4(GBE1):c.23C>T (p.Ala8Val)

Gene: GBE1 (1,4-alpha-glucan branching enzyme 1; minus strand). Cytogenetic location: 3p12.2.
Variant type: single nucleotide variant.
Coding change: c.23C>T on transcript NM_000158.4 (MANE Select); coding-DNA position 23, C replaced by T.
Protein change: p.Ala8Val; replaces alanine 8 with valine.
Molecular consequence: missense variant.
Genome position (GRCh38, 1-based): chr3:81,761,495, G>A on the plus strand (C>T on the coding strand, the complement: GBE1 is on the minus strand). VCF-style: chr3-81761495-G-A. GRCh37 (hg19) VCF-style: chr3-81810646-G-A.
Other names: p.Ala8Val; short protein forms A8V.
Identifiers: ClinVar variation 901896 (VCV000901896.9), dbSNP rs759518868, ClinGen allele CA2500116.

ClinVar aggregate classification (germline): Uncertain significance. Review status: criteria provided, multiple submitters, no conflicts (2 of 4 stars). 5 submissions from 4 submitters: Uncertain significance (5). Last evaluated 2025-09-11.

Conditions:
Glycogen storage disease, type IV (GSD4). Also called: AMYLOPECTINOSIS; ANDERSEN DISEASE; BRANCHER DEFICIENCY; CIRRHOSIS, FAMILIAL, WITH DEPOSITION OF ABNORMAL GLYCOGEN; GBE1 DEFICIENCY; GLYCOGEN BRANCHING ENZYME DEFICIENCY. Identifiers: Orphanet 367, MedGen C0017923, MONDO:0009292, OMIM 232500.
Glycogen storage disease IV, classic hepatic. Also called: GSD IV, CLASSIC HEPATIC. Identifiers: MedGen C1856301.
Adult polyglucosan body disease (APBN). Also called: GBE1-Adult Polyglucosan Body Disease; POLYGLUCOSAN BODY DISEASE, ADULT FORM. Identifiers: Orphanet 206583, MedGen C1849722, MONDO:0009897, OMIM 263570.
Inborn genetic diseases. Identifiers: MedGen C0950123, MeSH D030342.

Allele frequency attached by ClinVar (database versions not stated): ExAC 0.00002; gnomAD 0.00004; TOPMed 0.00004; gnomAD exomes 0.00005 and 0.00009.
gnomAD v4.1: 140 of 1,607,036 alleles (0.0087%); highest among the groups gnomAD compares: Non-Finnish European, 0.011%; no homozygotes.

Submissions (5):

Ambry Genetics
Classification: Uncertain significance for Inborn genetic diseases. Last evaluated: 2025-09-11. Review status: criteria provided, single submitter. Criteria: Ambry Variant Classification Scheme 2023. Collection method: clinical testing. Allele origin: germline.

Mayo Clinic Laboratories, Mayo Clinic
Classification: Uncertain significance. Last evaluated: 2024-11-08. Review status: criteria provided, single submitter. Criteria: ACMG Guidelines, 2015. Collection method: clinical testing. Allele origin: germline. Observed: 2 variant alleles.
Comment: BP4, PM2_moderate

Labcorp Genetics (formerly Invitae), Labcorp
Classification: Uncertain significance for Glycogen storage disease, type IV; Glycogen storage disease IV, classic hepatic. Last evaluated: 2022-07-27. Review status: criteria provided, single submitter. Criteria: Invitae Variant Classification Sherloc (09022015). Collection method: clinical testing. Allele origin: germline.
Comment: This sequence change replaces alanine, which is neutral and non-polar, with valine, which is neutral and non-polar, at codon 8 of the GBE1 protein (p.Ala8Val). This variant is present in population databases (rs759518868, gnomAD 0.01%). This variant has not been reported in the literature in individuals affected with GBE1-related conditions. ClinVar contains an entry for this variant (Variation ID: 901896). Advanced modeling of protein sequence and biophysical properties (such as structural, functional, and spatial information, amino acid conservation, physicochemical variation, residue mobility, and thermodynamic stability) performed at Invitae indicates that this missense variant is not expected to disrupt GBE1 protein function. In summary, the available evidence is currently insufficient to determine the role of this variant in disease. Therefore, it has been classified as a Variant of Uncertain Significance.

Illumina Laboratory Services, Illumina
Classification: Uncertain significance for Glycogen storage disease, type IV. Last evaluated: 2018-01-12. Review status: criteria provided, single submitter. Criteria: ICSL Variant Classification Criteria 13 December 2019. Collection method: clinical testing. Allele origin: germline.

Illumina Laboratory Services, Illumina
Classification: Uncertain significance for Adult polyglucosan body disease. Last evaluated: 2018-01-12. Review status: criteria provided, single submitter. Criteria: ICSL Variant Classification Criteria 13 December 2019. Collection method: clinical testing. Allele origin: germline.